The following is an entry in ClinVar:

ClinVar aggregate classification (germline): Uncertain significance (1 of 4 stars; one submission).

Submission:

Labcorp Genetics (formerly Invitae), Labcorp
Classification: Uncertain significance. Last evaluated: 2025-12-23. Review status: criteria provided, single submitter. Criteria: Invitae Variant Classification Sherloc (09022015). Collection method: clinical testing. Allele origin: germline.
Comment: This sequence change replaces proline, which is neutral and non-polar, with alanine, which is neutral and non-polar, at codon 193 of the CDAN1 protein (p.Pro193Ala). This variant is not present in population databases (gnomAD no frequency). This variant has not been reported in the literature in individuals affected with CDAN1-related conditions. An algorithm developed to predict the effect of missense changes on protein structure and function (PolyPhen-2) suggests that this variant is likely to be disruptive. In summary, the available evidence is currently insufficient to determine the role of this variant in disease. Therefore, it has been classified as a Variant of Uncertain Significance.

NM_138477.4(CDAN1):c.577C>G (p.Pro193Ala)

Gene: CDAN1 (codanin 1; minus strand). Cytogenetic location: 15q15.2.
Variant type: single nucleotide variant.
Coding change: c.577C>G on transcript NM_138477.4 (MANE Select); coding-DNA position 577, C replaced by G.
Protein change: p.Pro193Ala; replaces proline 193 with alanine.
Molecular consequence: missense variant.
Genome position (GRCh38, 1-based): chr15:42,736,071, G>C on the plus strand (C>G on the coding strand, the complement: CDAN1 is on the minus strand). VCF-style: chr15-42736071-G-C. GRCh37 (hg19) VCF-style: chr15-43028269-G-C.
Other names: short protein forms P193A.
Identifiers: ClinVar variation 4769957 (VCV004769957.1).